The following is an entry in ClinVar:

NM_001164508.2(NEB):c.218G>A (p.Arg73Gln)

Gene: NEB (nebulin; minus strand). Cytogenetic location: 2q23.3.
Variant type: single nucleotide variant.
Coding change: c.218G>A on transcript NM_001164508.2 (MANE Select); coding-DNA position 218, G replaced by A.
Protein change: p.Arg73Gln; replaces arginine 73 with glutamine.
Molecular consequence: missense variant.
Genome position (GRCh38, 1-based): chr2:151,727,767, C>T on the plus strand (G>A on the coding strand, the complement: NEB is on the minus strand). VCF-style: chr2-151727767-C-T. GRCh37 (hg19) VCF-style: chr2-152584281-C-T.
Other names: c.218G>A (NM_004543.4); c.218G>A, p.Arg73Gln (NM_001164507.2, NM_001271208.2, NM_004543.5); short protein forms R73Q.
Identifiers: ClinVar variation 167344 (VCV000167344.17), dbSNP rs727504037, ClinGen allele CA234356.

ClinVar aggregate classification (germline): Conflicting classifications of pathogenicity. Review status: criteria provided, conflicting classifications (1 of 4 stars). 4 submissions from 4 submitters: Uncertain significance (3); Likely benign (1). Last evaluated 2025-10-01.

Conditions:
Inborn genetic diseases. Identifiers: MedGen C0950123, MeSH D030342.
Nemaline myopathy 2 (NEM2). Also called: Nemaline myopathy 2, autosomal recessive. Identifiers: MedGen C1850569, MONDO:0009725, OMIM 256030.

Allele frequency attached by ClinVar (database versions not stated): ExAC 0.00002; TOPMed 0.00003; gnomAD 0.00004 and 0.00005; gnomAD exomes 0.00004.

Submissions (4):

CeGaT Center for Human Genetics Tuebingen
Classification: Uncertain significance. Last evaluated: 2025-10-01. Review status: criteria provided, single submitter. Criteria: CeGaT Center For Human Genetics Tuebingen Variant Classification Criteria Version 2. Collection method: clinical testing. Allele origin: germline. Affected: yes. Observed: 1 variant allele.
Comment: NEB: PM2, BP4

Labcorp Genetics (formerly Invitae), Labcorp
Classification: Likely benign for Nemaline myopathy 2. Last evaluated: 2025-09-28. Review status: criteria provided, single submitter. Criteria: Invitae Variant Classification Sherloc (09022015). Collection method: clinical testing. Allele origin: germline.

Ambry Genetics
Classification: Uncertain significance for Inborn genetic diseases. Last evaluated: 2024-05-14. Review status: criteria provided, single submitter. Criteria: Ambry Variant Classification Scheme 2023. Collection method: clinical testing. Allele origin: germline.

Eurofins Ntd Llc (ga)
Classification: Uncertain significance. Last evaluated: 2014-04-17. Review status: criteria provided, single submitter. Criteria: EGL Classification Definitions 2015. Collection method: clinical testing. Allele origin: germline. Observed: 1 variant allele, 1 heterozygote.